The following is an entry in ClinVar:

NM_000081.4(LYST):c.452A>G (p.His151Arg)

Gene: LYST (lysosomal trafficking regulator; minus strand). Cytogenetic location: 1q42.3.
Variant type: single nucleotide variant.
Coding change: c.452A>G on transcript NM_000081.4 (MANE Select); coding-DNA position 452, A replaced by G.
Protein change: p.His151Arg; replaces histidine 151 with arginine.
Molecular consequence: missense variant.
Genome position (GRCh38, 1-based): chr1:235,810,366, T>C on the plus strand (A>G on the coding strand, the complement: LYST is on the minus strand). VCF-style: chr1-235810366-T-C. GRCh37 (hg19) VCF-style: chr1-235973666-T-C.
Other names: c.452A>G, p.His151Arg (NM_001301365.1); short protein forms H151R.
Identifiers: ClinVar variation 649476 (VCV000649476.4), dbSNP rs188870379, ClinGen allele CA1467622.

ClinVar aggregate classification (germline): Uncertain significance (1 of 4 stars; one submission).

Conditions:
Chédiak-Higashi syndrome (CHS). Also called: Chediak-Higashi Syndrome. Identifiers: Orphanet 167, MedGen C0007965, MONDO:0008963, OMIM 214500.

Allele frequency attached by ClinVar (database versions not stated): gnomAD 0.00006; TOPMed 0.00006; ExAC 0.00007; 1000 Genomes Project 0.00040; 1000 Genomes Project 30x 0.00047.
gnomAD v4.1: 38 of 1,613,908 alleles (0.0024%); highest among the groups gnomAD compares: East Asian, 0.082%; no homozygotes.

Submission:

Labcorp Genetics (formerly Invitae), Labcorp
Classification: Uncertain significance for Chédiak-Higashi syndrome. Last evaluated: 2022-10-08. Review status: criteria provided, single submitter. Criteria: Invitae Variant Classification Sherloc (09022015). Collection method: clinical testing. Allele origin: germline.
Comment: This sequence change replaces histidine, which is basic and polar, with arginine, which is basic and polar, at codon 151 of the LYST protein (p.His151Arg). This variant is present in population databases (rs188870379, gnomAD 0.2%). This missense change has been observed in individual(s) with hemophagocytic lymphohistiocytosis (PMID: 27781387, 30899265). ClinVar contains an entry for this variant (Variation ID: 649476). Advanced modeling of protein sequence and biophysical properties (such as structural, functional, and spatial information, amino acid conservation, physicochemical variation, residue mobility, and thermodynamic stability) performed at Invitae indicates that this missense variant is not expected to disrupt LYST protein function. In summary, the available evidence is currently insufficient to determine the role of this variant in disease. Therefore, it has been classified as a Variant of Uncertain Significance.

Literature cited by the submitters: PubMed 27781387; PubMed 30899265.